The following is an entry in ClinVar:

ClinVar aggregate classification (germline): Benign/Likely benign. Review status: criteria provided, multiple submitters, no conflicts (2 of 4 stars). 2 submissions from 2 submitters: Benign (1); Likely benign (1). Last evaluated 2025-08-13.

Conditions:
Familial melanoma. Also called: Hereditary melanoma; Hereditary cutaneous melanoma. Identifiers: Orphanet 618, MedGen C1512419, MONDO:0018961.
Melanoma-pancreatic cancer syndrome. Identifiers: Orphanet 404560, MedGen C1838547, MONDO:0011713, OMIM 606719. Disease mechanism: loss of function.

Submissions (2):

Myriad Genetics, Inc.
Classification: Benign for Melanoma-pancreatic cancer syndrome. Last evaluated: 2025-08-13. Review status: criteria provided, single submitter. Criteria: Myriad Autosomal Dominant, Autosomal Recessive and X-Linked Classification Criteria (2023). Collection method: clinical testing. Allele origin: unknown.
Comment: This variant is considered benign. This variant is a silent/synonymous amino acid change and it is not expected to impact splicing.

Labcorp Genetics (formerly Invitae), Labcorp
Classification: Likely benign for Familial melanoma. Last evaluated: 2023-01-16. Review status: criteria provided, single submitter. Criteria: Invitae Variant Classification Sherloc (09022015). Collection method: clinical testing. Allele origin: germline.

NM_000077.5(CDKN2A):c.36G>C (p.Ser12=)

Gene: CDKN2A (cyclin dependent kinase inhibitor 2A; minus strand). Cytogenetic location: 9p21.3.
Variant type: single nucleotide variant.
Coding change: c.36G>C on transcript NM_000077.5; coding-DNA position 36, G replaced by C.
Protein change: p.Ser12=; no amino-acid change (serine 12 retained).
Molecular consequence: synonymous variant (on NM_000077.6). On other transcripts: intron variant (2).
Genome position (GRCh38, 1-based): chr9:21,974,792, C>G on the plus strand (G>C on the coding strand, the complement: CDKN2A is on the minus strand). VCF-style: chr9-21974792-C-G. GRCh37 (hg19) VCF-style: chr9-21974791-C-G.
Other names: c.36G>C, p.Ser12= (NM_000077.6, NM_001195132.2, NM_058197.5); c.-3-3584G>C (NM_001363763.2); c.194-3584G>C (NM_058195.4).
Identifiers: ClinVar variation 1118189 (VCV001118189.10), dbSNP rs1313234793, ClinGen allele CA464100198.
Genomic context (GRCh38, chr9:21,974,792, plus strand): 5'-CAGCAGCGCCCGCACCTCCTCTACCCGACCCCGGGCCGCGGCCGTGGCCAGCCAGTCAGC[C>G]GAAGGCTCCATGCTGCTCCCCGCCGCCGGCTCCATGCTGCTCCCCGCCGCCCGCTGCCTG-3'
Protein context (NP_000068.1, residues 2-22): EPAAGSSMEP[Ser12=]ADWLATAAAR